The following is an entry in ClinVar:

NM_004453.4(ETFDH):c.296G>C (p.Arg99Pro)

Gene: ETFDH (electron transfer flavoprotein dehydrogenase; plus strand). Cytogenetic location: 4q32.1.
Variant type: single nucleotide variant.
Coding change: c.296G>C on transcript NM_004453.4 (MANE Select); coding-DNA position 296, G replaced by C.
Protein change: p.Arg99Pro; replaces arginine 99 with proline.
Molecular consequence: missense variant.
Genome position (GRCh38, 1-based): chr4:158,682,315, G>C. VCF-style: chr4-158682315-G-C. GRCh37 (hg19) VCF-style: chr4-159603467-G-C.
Other names: c.155G>C, p.Arg52Pro (NM_001281737.2); c.113G>C, p.Arg38Pro (NM_001281738.1); short protein forms R38P, R52P, R99P.
Identifiers: ClinVar variation 1512149 (VCV001512149.8), dbSNP rs376630579, ClinGen allele CA358574194.
Genomic context (GRCh38, chr4:158,682,315, plus strand): 5'-CAGGGCTCTCTGCAGCTGTTCGTCTAAAACAGTTGGCTGTGGCACATGAAAAGGACATCC[G>C]TGTGTGTCTAGTGGAGAAAGCTGCCCAGATAGGAGCTCATACTCTCTCAGGGGCTTGCCT-3'
Protein context (NP_004444.2, residues 89-109): QLAVAHEKDI[Arg99Pro]VCLVEKAAQI

ClinVar aggregate classification (germline): Likely pathogenic (1 of 4 stars; one submission).

Conditions:
Multiple acyl-CoA dehydrogenase deficiency (MADD). Also called: ETHYLMALONIC-ADIPICACIDURIA; GA II; Glutaric acidemia type II; GA 2; Glutaric Acidemia type 2; Glutaric aciduria, type 2. Identifiers: Orphanet 26791, MedGen C0268596, MONDO:0009282, OMIM 231680.

Submission:

Labcorp Genetics (formerly Invitae), Labcorp
Classification: Likely pathogenic for Multiple acyl-CoA dehydrogenase deficiency. Last evaluated: 2021-01-17. Review status: criteria provided, single submitter. Criteria: Invitae Variant Classification Sherloc (09022015). Collection method: clinical testing. Allele origin: germline.
Comment: This variant has not been reported in the literature in individuals with ETFDH-related conditions. This variant is not present in population databases (ExAC no frequency). This sequence change replaces arginine with proline at codon 99 of the ETFDH protein (p.Arg99Pro). The arginine residue is highly conserved and there is a moderate physicochemical difference between arginine and proline. Advanced modeling of protein sequence and biophysical properties (such as structural, functional, and spatial information, amino acid conservation, physicochemical variation, residue mobility, and thermodynamic stability) performed at Invitae indicates that this missense variant is expected to disrupt ETFDH protein function. In summary, the currently available evidence indicates that the variant is pathogenic, but additional data are needed to prove that conclusively. Therefore, this variant has been classified as Likely Pathogenic. This variant disrupts the p.Arg99 amino acid residue in ETFDH. Other variant(s) that disrupt this residue have been determined to be pathogenic (PMID: 23700290, 24522293, 29336361). This suggests that this residue is clinically significant, and that variants that disrupt this residue are likely to be disease-causing.

Literature cited by the submitters: PubMed 23700290; PubMed 24522293; PubMed 29336361.